The following is an entry in ClinVar:

NM_001999.4(FBN2):c.2260G>A (p.Gly754Ser)

Gene: FBN2 (fibrillin 2; minus strand). Cytogenetic location: 5q23.3.
Variant type: single nucleotide variant.
Coding change: c.2260G>A on transcript NM_001999.4 (MANE Select); coding-DNA position 2260, G replaced by A.
Protein change: p.Gly754Ser; replaces glycine 754 with serine.
Molecular consequence: missense variant.
Genome position (GRCh38, 1-based): chr5:128,366,419, C>T on the plus strand (G>A on the coding strand, the complement: FBN2 is on the minus strand). VCF-style: chr5-128366419-C-T. GRCh37 (hg19) VCF-style: chr5-127702112-C-T.
Other names: short protein forms G754S.
Identifiers: ClinVar variation 213286 (VCV000213286.63), dbSNP rs145259927, ClinGen allele CA325244.

ClinVar aggregate classification (germline): Benign/Likely benign. Review status: criteria provided, multiple submitters, no conflicts (2 of 4 stars). 22 submissions from 21 submitters: Benign (3); Likely benign (13). 6 of the submissions do not count toward it. Last evaluated 2026-02-03.

Conditions:
FBN2-related disorder. Also called: FBN2-related condition.
Connective tissue disorder. Also called: Connective tissue disease. Identifiers: MedGen C0009782, MONDO:0003900.
Brain aneurysm. Identifiers: MedGen C0751003, MONDO:0005291.
Ehlers-Danlos syndrome (EDS). Identifiers: Orphanet 98249, MedGen C0013720, MONDO:0020066.
Congenital contractural arachnodactyly (CCA). Also called: BEALS SYNDROME; Beals-Hecht syndrome; Arthrogryposis, distal, type 9. Identifiers: Orphanet 115, MedGen C0220668, MONDO:0007363, OMIM 121050.
Macular degeneration, early-onset (EOMD). Identifiers: MedGen C4015286, MONDO:0014501, OMIM 616118.
Familial thoracic aortic aneurysm and aortic dissection (TAAD). Also called: Thoracic aortic aneurysms and dissections. Identifiers: Orphanet 91387, MedGen C4707243, MONDO:0019625.

Allele frequency attached by ClinVar (database versions not stated): ESP Exome Variant Server 0.00123; gnomAD 0.00137; 1000 Genomes Project 0.00140; 1000 Genomes Project 30x 0.00141; TOPMed 0.00148; gnomAD exomes 0.00155; ExAC 0.00161.
gnomAD v4.1: 2,508 of 1,603,254 alleles (0.16%); highest among the groups gnomAD compares: Admixed American, 0.33%; 3 homozygotes.

Submissions (22):

Labcorp Genetics (formerly Invitae), Labcorp
Classification: Likely benign for Congenital contractural arachnodactyly. Last evaluated: 2026-02-03. Review status: criteria provided, single submitter. Criteria: Invitae Variant Classification Sherloc (09022015). Collection method: clinical testing. Allele origin: germline.

CeGaT Center for Human Genetics Tuebingen
Classification: Benign. Last evaluated: 2025-12-01. Review status: criteria provided, single submitter. Criteria: CeGaT Center For Human Genetics Tuebingen Variant Classification Criteria Version 2. Collection method: clinical testing. Allele origin: germline. Affected: yes. Observed: 7 variant alleles.
Comment: FBN2: BS1, BS2

Mayo Clinic Laboratories, Mayo Clinic
Classification: Likely benign. Last evaluated: 2025-08-27. Review status: criteria provided, single submitter. Criteria: ACMG Guidelines, 2015. Collection method: clinical testing. Allele origin: germline. Observed: 5 variant alleles.
Comment: BS1, BP4_strong

ARUP Laboratories, Molecular Genetics and Genomics, ARUP Laboratories
Classification: Likely benign. Last evaluated: 2024-10-25. Review status: criteria provided, single submitter. Criteria: ARUP Molecular Germline Variant Investigation Process 2024. Collection method: clinical testing. Allele origin: germline.

Blueprint Genetics
Classification: Likely benign. Last evaluated: 2024-10-10. Review status: criteria provided, single submitter. Criteria: ACMG Guidelines, 2015. Collection method: clinical testing. Allele origin: germline.

Women's Health and Genetics/Laboratory Corporation of America, LabCorp
Classification: Likely benign. Last evaluated: 2024-04-29. Review status: criteria provided, single submitter. Criteria: LabCorp Variant Classification Summary - May 2015. Collection method: clinical testing. Allele origin: germline.

Genome Diagnostics Laboratory, The Hospital for Sick Children
Classification: Benign for Ehlers-Danlos syndrome. Last evaluated: 2022-04-22. Review status: criteria provided, single submitter. Criteria: ACMG Guidelines, 2015. Collection method: clinical testing. Allele origin: germline.

Genome Diagnostics Laboratory, The Hospital for Sick Children
Classification: Benign for Connective tissue disorder. Last evaluated: 2022-04-22. Review status: criteria provided, single submitter. Criteria: ACMG Guidelines, 2015. Collection method: clinical testing. Allele origin: germline.

Fulgent Genetics
Classification: Likely benign for Congenital contractural arachnodactyly; Macular degeneration, early-onset. Last evaluated: 2021-09-30. Review status: criteria provided, single submitter. Criteria: ACMG Guidelines, 2015. Collection method: clinical testing. Allele origin: unknown.

GeneDx
Classification: Likely benign. Last evaluated: 2021-06-10. Review status: criteria provided, single submitter. Criteria: GeneDx Variant Classification Process June 2021. Collection method: clinical testing. Allele origin: germline. Affected: yes.
Comment: This variant is associated with the following publications: (PMID: 26038974, 25525159, 19006240, 25944730, 31316167, 27535533, 26582918)

Mendelics
Classification: Likely benign for Congenital contractural arachnodactyly. Last evaluated: 2019-05-28. Review status: criteria provided, single submitter. Criteria: Mendelics Assertion Criteria 2017. Collection method: clinical testing. Allele origin: unknown.

Ambry Genetics
Classification: Likely benign for Familial thoracic aortic aneurysm and aortic dissection. Last evaluated: 2018-02-01. Review status: criteria provided, single submitter. Criteria: Ambry Variant Classification Scheme 2023. Collection method: clinical testing. Allele origin: germline.

Center for Pediatric Genomic Medicine, Children's Mercy Hospital and Clinics
Classification: Likely benign. Last evaluated: 2017-06-02. Review status: criteria provided, single submitter. Criteria: ACMG Guidelines, 2015. Collection method: clinical testing. Allele origin: germline.

Illumina Laboratory Services, Illumina
Classification: Likely benign for Congenital contractural arachnodactyly. Last evaluated: 2017-04-27. Review status: criteria provided, single submitter. Criteria: ICSL Variant Classification Criteria 13 December 2019. Collection method: clinical testing. Allele origin: germline.
Comment: This variant was observed as part of a predisposition screen in an ostensibly healthy population. A literature search was performed for the gene, cDNA change, and amino acid change (where applicable). Publications were found based on this search. The evidence from the literature, in combination with allele frequency data from public databases where available, was sufficient to determine this variant is unlikely to cause disease. Therefore, this variant is classified as likely benign.

Center for Human Genetics, Inc
Classification: Likely benign for Connective tissue disorder. Last evaluated: 2016-11-01. Review status: criteria provided, single submitter. Criteria: ACMG Guidelines, 2015. Collection method: clinical testing. Allele origin: germline. Affected: yes.

Eurofins Ntd Llc (ga)
Classification: Likely benign. Last evaluated: 2015-12-09. Review status: criteria provided, single submitter. Criteria: EGL Classification Definitions 2015. Collection method: clinical testing. Allele origin: germline. Observed: 2 variant alleles, 2 heterozygotes.

PreventionGenetics, part of Exact Sciences
Classification: Likely benign for FBN2-related condition. Last evaluated: 2019-05-22. Review status: no assertion criteria provided. Collection method: clinical testing. Allele origin: germline. Not counted in ClinVar's aggregate classification.
Comment: This variant is classified as likely benign based on ACMG/AMP sequence variant interpretation guidelines (Richards et al. 2015 PMID: 25741868, with internal and published modifications).

Clinical Molecular Genetics Laboratory, Johns Hopkins All Children's Hospital
Classification: Uncertain significance for Brain aneurysm. Last evaluated: 2017-03-30. Review status: no assertion criteria provided. Collection method: clinical testing. Allele origin: germline. Affected: yes. Not counted in ClinVar's aggregate classification.

Diagnostic Laboratory, Department of Genetics, University Medical Center Groningen
Classification: Likely benign. Review status: no assertion criteria provided. Collection method: clinical testing. Allele origin: germline. Affected: yes. Study: VKGL Data-share Consensus. Not counted in ClinVar's aggregate classification.

Genome Diagnostics Laboratory, Amsterdam University Medical Center
Classification: Likely benign. Review status: no assertion criteria provided. Collection method: clinical testing. Allele origin: germline. Affected: yes. Study: VKGL Data-share Consensus. Not counted in ClinVar's aggregate classification.

Genome Diagnostics Laboratory, University Medical Center Utrecht
Classification: Likely benign. Review status: no assertion criteria provided. Collection method: clinical testing. Allele origin: germline. Affected: yes. Study: VKGL Data-share Consensus. Not counted in ClinVar's aggregate classification.

Laboratory of Diagnostic Genome Analysis, Leiden University Medical Center (LUMC)
Classification: Likely benign. Review status: no assertion criteria provided. Collection method: clinical testing. Allele origin: germline. Affected: yes. Study: VKGL Data-share Consensus. Not counted in ClinVar's aggregate classification.

Literature cited by the submitters: PubMed 19006240 (cited by 3 submitters); PubMed 25525159 (cited by Mayo Clinic Laboratories, Mayo Clinic and Illumina Laboratory Services, Illumina); PubMed 26038974 (cited by Mayo Clinic Laboratories, Mayo Clinic and Illumina Laboratory Services, Illumina); PubMed 16835936 (cited by Illumina Laboratory Services, Illumina).